The following is an entry in ClinVar:

NM_001005242.3(PKP2):c.2047A>T (p.Lys683Ter)

Gene: PKP2 (plakophilin 2; minus strand). Cytogenetic location: 12p11.21.
Variant type: single nucleotide variant.
Coding change: c.2047A>T on transcript NM_001005242.3 (MANE Select); coding-DNA position 2047, A replaced by T.
Protein change: p.Lys683Ter; replaces lysine 683 with a stop codon.
Molecular consequence: nonsense.
Genome position (GRCh38, 1-based): chr12:32,802,523, T>A on the plus strand (A>T on the coding strand, the complement: PKP2 is on the minus strand). VCF-style: chr12-32802523-T-A. GRCh37 (hg19) VCF-style: chr12-32955457-T-A.
Other names: c.2179A>T, p.Lys727Ter (NM_004572.4); short protein forms K683*, K727*.
Identifiers: ClinVar variation 935240 (VCV000935240.12), dbSNP rs1956192249, ClinGen allele CA384360010.

ClinVar aggregate classification (germline): Pathogenic. Review status: criteria provided, multiple submitters, no conflicts (2 of 4 stars). 2 submissions from 2 submitters: Pathogenic (2). Last evaluated 2019-06-07.

Conditions:
Arrhythmogenic right ventricular dysplasia 9 (ARVD9). Also called: ARRHYTHMOGENIC RIGHT VENTRICULAR DYSPLASIA, FAMILIAL, 9; Arrhythmogenic Right Ventricular Dysplasia/Cardiomyopathy 9. Identifiers: MedGen C1836906, MONDO:0012180, OMIM 609040.

Submissions (2):

Labcorp Genetics (formerly Invitae), Labcorp
Classification: Pathogenic for Arrhythmogenic right ventricular dysplasia 9. Last evaluated: 2019-06-07. Review status: criteria provided, single submitter. Criteria: Invitae Variant Classification Sherloc (09022015). Collection method: clinical testing. Allele origin: germline.
Comment: Algorithms developed to predict the effect of sequence changes on RNA splicing suggest that this variant may create or strengthen a splice site, but this prediction has not been confirmed by published transcriptional studies. For these reasons, this variant has been classified as Pathogenic. Loss-of-function variants in PKP2 are known to be pathogenic (PMID: 15489853, 23911551). This variant has been observed in an individual affected with arrhythmogenic right ventricular cardiomyopathy (PMID: 24125834). This variant is not present in population databases (ExAC no frequency). This sequence change creates a premature translational stop signal (p.Lys727*) in the PKP2 gene. It is expected to result in an absent or disrupted protein product.

Juno Genomics, Hangzhou Juno Genomics, Inc
Classification: Pathogenic for Arrhythmogenic right ventricular dysplasia 9. Review status: criteria provided, single submitter. Criteria: ACMG Guidelines, 2015. Collection method: clinical testing. Allele origin: germline.
Comment: Absent from controls (or at extremely low frequency if recessive) in Genome Aggregation Database.;Null variant in a gene where loss of function (LOF) is a known mechanism of disease.;Patient's phenotype or family history is highly specific for a disease with a single genetic etiology.

Literature cited by the submitters: PubMed 15489853 (cited by Labcorp Genetics (formerly Invitae), Labcorp); PubMed 23911551 (cited by Labcorp Genetics (formerly Invitae), Labcorp); PubMed 24125834 (cited by Labcorp Genetics (formerly Invitae), Labcorp).